The following is an entry in ClinVar:

NM_144631.6(ZNF513):c.1015T>C (p.Cys339Arg)

Gene: ZNF513 (zinc finger protein 513; minus strand). Cytogenetic location: 2p23.3.
Variant type: single nucleotide variant.
Coding change: c.1015T>C on transcript NM_144631.6 (MANE Select); coding-DNA position 1015, T replaced by C.
Protein change: p.Cys339Arg; replaces cysteine 339 with arginine.
Molecular consequence: missense variant.
Genome position (GRCh38, 1-based): chr2:27,378,156, A>G on the plus strand (T>C on the coding strand, the complement: ZNF513 is on the minus strand). VCF-style: chr2-27378156-A-G. GRCh37 (hg19) VCF-style: chr2-27601023-A-G.
Other names: c.829T>C, p.Cys277Arg (NM_001201459.2); short protein forms C339R, C277R.
Identifiers: ClinVar variation 28 (VCV000000028.16), dbSNP rs267607182, ClinGen allele CA251354.
Genomic context (GRCh38, chr2:27,378,156, plus strand): 5'-CTTTGTCACTGGGGCCCTGGGGCCCCCCACTGGCACCCCCTCCAGCCTCTCCTCGCATGC[A>G]GCGCCCACACATGGCAGCTCCCAGCCGACTACCCTCACCCTCCTCCAGCTCTTGTCCACA-3'
Protein context (NP_653232.3, residues 329-349): SRLGAAMCGR[Cys339Arg]MRGEAGGGAS

ClinVar aggregate classification (germline): Conflicting classifications of pathogenicity. Review status: criteria provided, conflicting classifications (1 of 4 stars). 4 submissions from 4 submitters: Likely pathogenic (1); Uncertain significance (2). 1 of the submissions does not count toward it. Last evaluated 2025-06-10.

Conditions:
Retinitis pigmentosa 58 (RP58). Identifiers: Orphanet 791, MedGen C3150879, MONDO:0013328, OMIM 613617.

Allele frequency attached by ClinVar (database versions not stated): TOPMed 0.00004; gnomAD 0.00005 and 0.00007; gnomAD exomes 0.00011 and 0.00018; 1000 Genomes Project 0.00020; ExAC 0.00024; 1000 Genomes Project 30x 0.00031.

Submissions (4):

Labcorp Genetics (formerly Invitae), Labcorp
Classification: Uncertain significance. Last evaluated: 2025-06-10. Review status: criteria provided, single submitter. Criteria: Invitae Variant Classification Sherloc (09022015). Collection method: clinical testing. Allele origin: germline.
Comment: This sequence change replaces cysteine, which is neutral and slightly polar, with arginine, which is basic and polar, at codon 339 of the ZNF513 protein (p.Cys339Arg). This variant is present in population databases (rs267607182, gnomAD 0.1%), and has an allele count higher than expected for a pathogenic variant. This missense change has been observed in individual(s) with autosmal recessive retinitis pigmentosa (PMID: 20797688). It has also been observed to segregate with disease in related individuals. ClinVar contains an entry for this variant (Variation ID: 28). An algorithm developed to predict the effect of missense changes on protein structure and function (PolyPhen-2) suggests that this variant is likely to be tolerated. Experimental studies have shown that this missense change affects ZNF513 function (PMID: 20797688). In summary, the available evidence is currently insufficient to determine the role of this variant in disease. Therefore, it has been classified as a Variant of Uncertain Significance.

Shanghai Key Laboratory of Orbital Diseases and Ocular Oncology, Ninth People's Hospital, Shanghai Jiao Tong University School of Medicine
Classification: Likely pathogenic for Retinitis pigmentosa 58. Last evaluated: 2025-05-21. Review status: criteria provided, single submitter. Criteria: ACMG Guidelines, 2015. Collection method: clinical testing, in vivo. Allele origin: germline, not applicable. Inheritance: Autosomal recessive inheritance. Affected: yes and no. Observed: 9 variant alleles, 5 heterozygotes, 4 homozygotes. Clinical features observed: Juvenile onset (HP:0003621), Peripheral visual field loss (HP:0007994), Rod-cone dystrophy (HP:0000510), Severely reduced visual acuity (HP:0001141), Abnormal light- and dark-adapted electroretinogram (HP:0008323), Macular degeneration (HP:0000608), Night blindness (HP:0000662), Optic disc pallor (HP:0000543), Spicular pigmentation of the retina (HP:0007737), Attenuation of retinal blood vessels (HP:0007843). Functional consequence: Decreased function.
Comment: The ZNF513 c.1015T>C (p.Cys339Arg) variant has been reported in four individuals with autosomal recessive retinitis pigmentosa (PM3: moderate) and segregates with disease within affected family members (PP1: supporting) (PMID: 20797688, 20227676). Functional studies have demonstrated that this missense change impairs ZNF513 protein function, supporting a damaging effect (PS3: strong). Multiple in silico tools also predict a deleterious impact on protein structure and function, including a PolyPhen-2 score of 0.990 (“probably damaging”), a CADD score of 26.2, a REVEL score of 0.456, and a phyloP score of 5.33 (PP3: supporting). Although the variant is present in gnomAD at a low allele frequency (0.0001054), all observed homozygotes are confined to the South Asian population, which has a high rate of consanguinity; therefore, BS1 is not applicable. In summary, this variant meets criteria for Likely Pathogenic classification based on ACMG/AMP guidelines: PS3 (strong), PM3 (moderate), PP1 and PP3 (supporting).

Blueprint Genetics
Classification: Uncertain significance. Last evaluated: 2024-10-07. Review status: criteria provided, single submitter. Criteria: ACMG Guidelines, 2015. Collection method: clinical testing. Allele origin: germline.

OMIM
Classification: Pathogenic for RETINITIS PIGMENTOSA 58 (1 family). Last evaluated: 2010-09-10. Review status: no assertion criteria provided. Collection method: literature only. Allele origin: germline. Not counted in ClinVar's aggregate classification.

Literature cited by the submitters: PubMed 20797688 (cited by 3 submitters); PubMed 20227676 (cited by Shanghai Key Laboratory of Orbital Diseases and Ocular Oncology, Ninth People's Hospital, Shanghai Jiao Tong University School of Medicine and OMIM).